The following is an entry in ClinVar:

ClinVar aggregate classification (germline): Likely benign. Review status: criteria provided, single submitter (1 of 4 stars). 2 submissions from 2 submitters: Likely benign (1). 1 of the submissions does not count toward it. Last evaluated 2025-09-01.

Conditions:
ACE-related disorder. Also called: ACE-related disorders; ACE-related condition.

Allele frequency attached by ClinVar (database versions not stated): gnomAD 0.00009 and 0.00010; gnomAD exomes 0.00015 and 0.00034; TOPMed 0.00019; ExAC 0.00030.
gnomAD v4.1: 226 of 1,611,866 alleles (0.014%); highest among the groups gnomAD compares: Admixed American, 0.16%; no homozygotes.

Submissions (2):

Labcorp Genetics (formerly Invitae), Labcorp
Classification: Likely benign. Last evaluated: 2025-09-01. Review status: criteria provided, single submitter. Criteria: Invitae Variant Classification Sherloc (09022015). Collection method: clinical testing. Allele origin: germline.

PreventionGenetics, part of Exact Sciences
Classification: Likely benign for ACE-related condition. Last evaluated: 2022-04-27. Review status: no assertion criteria provided. Collection method: clinical testing. Allele origin: germline. Not counted in ClinVar's aggregate classification.
Comment: This variant is classified as likely benign based on ACMG/AMP sequence variant interpretation guidelines (Richards et al. 2015 PMID: 25741868, with internal and published modifications).

NM_000789.4(ACE):c.1768G>A (p.Gly590Ser)

Gene: ACE (angiotensin I converting enzyme; plus strand). Cytogenetic location: 17q23.3.
Variant type: single nucleotide variant.
Coding change: c.1768G>A on transcript NM_000789.4 (MANE Select); coding-DNA position 1768, G replaced by A.
Protein change: p.Gly590Ser; replaces glycine 590 with serine.
Molecular consequence: missense variant.
Genome position (GRCh38, 1-based): chr17:63,484,388, G>A. VCF-style: chr17-63484388-G-A. GRCh37 (hg19) VCF-style: chr17-61561749-G-A.
Other names: short protein forms G590S.
Identifiers: ClinVar variation 778531 (VCV000778531.10), dbSNP rs762585402, ClinGen allele CA8699689.